The following is an entry in ClinVar:

ClinVar aggregate classification (germline): Uncertain significance. Review status: criteria provided, multiple submitters, no conflicts (2 of 4 stars). 4 submissions from 4 submitters: Uncertain significance (4). Last evaluated 2025-05-18.

Conditions:
Primary ciliary dyskinesia. Also called: Ciliary dyskinesia. Identifiers: Orphanet 244, MedGen C0008780, MONDO:0016575, HP:0012265.
Primary ciliary dyskinesia 6. Also called: Primary Ciliary Dyskinesia 6: TXNDC3-Related Primary Ciliary Dyskinesia. Identifiers: Orphanet 244, MedGen C1970506, MONDO:0012571, OMIM 610852.

Allele frequency attached by ClinVar (database versions not stated): gnomAD exomes 0.00004; ExAC 0.00006; ESP Exome Variant Server 0.00008; TOPMed 0.00013; gnomAD 0.00015 and 0.00017; 1000 Genomes Project 30x 0.00016; 1000 Genomes Project 0.00020.
gnomAD v4.1: 40 of 1,613,928 alleles (0.0025%); highest among the groups gnomAD compares: African/African-American, 0.049%; no homozygotes.

Submissions (4):

Ambry Genetics
Classification: Uncertain significance for Primary ciliary dyskinesia. Last evaluated: 2025-05-18. Review status: criteria provided, single submitter. Criteria: Ambry Variant Classification Scheme 2023. Collection method: clinical testing. Allele origin: germline.
Comment: The p.N563K variant (also known as c.1689C>G), located in coding exon 15 of the NME8 gene, results from a C to G substitution at nucleotide position 1689. The asparagine at codon 563 is replaced by lysine, an amino acid with similar properties. This amino acid position is conserved. In addition, this alteration is predicted to be tolerated by in silico analysis. Based on the available evidence, the clinical significance of this variant remains unclear.

ARUP Laboratories, Molecular Genetics and Genomics, ARUP Laboratories
Classification: Uncertain significance for Primary ciliary dyskinesia 6. Last evaluated: 2025-02-14. Review status: criteria provided, single submitter. Criteria: ARUP Molecular Germline Variant Investigation Process 2024. Collection method: clinical testing. Allele origin: germline.
Comment: The NME8 c.1689C>G; p.Asn563Lys variant (rs138317061), to our knowledge, is not reported in the medical literature but is reported in ClinVar (Variation ID: 593249). This variant is found predominantly in the African population with an allele frequency of 0.05% (12/24966 alleles) in the Genome Aggregation Database (v2.1.1). Computational analyses are uncertain whether this variant is neutral or deleterious (REVEL: 0.513). Due to limited information, the clinical significance of this variant is uncertain at this time.

Labcorp Genetics (formerly Invitae), Labcorp
Classification: Uncertain significance for Primary ciliary dyskinesia 6. Last evaluated: 2024-11-04. Review status: criteria provided, single submitter. Criteria: Invitae Variant Classification Sherloc (09022015). Collection method: clinical testing. Allele origin: germline.
Comment: This sequence change replaces asparagine, which is neutral and polar, with lysine, which is basic and polar, at codon 563 of the NME8 protein (p.Asn563Lys). This variant is present in population databases (rs138317061, gnomAD 0.05%). This variant has not been reported in the literature in individuals affected with NME8-related conditions. ClinVar contains an entry for this variant (Variation ID: 593249). Invitae Evidence Modeling of protein sequence and biophysical properties (such as structural, functional, and spatial information, amino acid conservation, physicochemical variation, residue mobility, and thermodynamic stability) indicates that this missense variant is expected to disrupt NME8 protein function with a positive predictive value of 80%. In summary, the available evidence is currently insufficient to determine the role of this variant in disease. Therefore, it has been classified as a Variant of Uncertain Significance.

Eurofins Ntd Llc (ga)
Classification: Uncertain significance. Last evaluated: 2017-07-14. Review status: criteria provided, single submitter. Criteria: EGL Classification Definitions 2015. Collection method: clinical testing. Allele origin: germline. Observed: 1 variant allele, 1 heterozygote.

NM_016616.5(NME8):c.1689C>G (p.Asn563Lys)

Gene: NME8 (NME/NM23 family member 8; plus strand). Cytogenetic location: 7p14.1.
Variant type: single nucleotide variant.
Coding change: c.1689C>G on transcript NM_016616.5 (MANE Select); coding-DNA position 1689, C replaced by G.
Protein change: p.Asn563Lys; replaces asparagine 563 with lysine.
Molecular consequence: missense variant.
Genome position (GRCh38, 1-based): chr7:37,897,014, C>G. VCF-style: chr7-37897014-C-G. GRCh37 (hg19) VCF-style: chr7-37936616-C-G.
Other names: c.1689C>G (NM_016616.4); short protein forms N563K.
Identifiers: ClinVar variation 593249 (VCV000593249.15), dbSNP rs138317061, ClinGen allele CA4222596.